The following is an entry in ClinVar:

NM_033305.3(VPS13A):c.5039_5051delinsGAA (p.Ala1680fs)

Gene: VPS13A (vacuolar protein sorting 13 homolog A; plus strand). Cytogenetic location: 9q21.2.
Variant type: Indel.
Coding change: c.5039_5051delinsGAA on transcript NM_033305.3 (MANE Select); coding-DNA positions 5039 to 5051, CTTCTTCTACTGC replaced by GAA.
Protein change: p.Ala1680fs; shifts the reading frame from alanine 1680.
Molecular consequence: frameshift variant.
Genome position (GRCh38, 1-based): chr9:77,318,317-77,318,329, CTTCTTCTACTGC replaced by GAA. VCF-style: chr9-77318317-CTTCTTCTACTGC-GAA. GRCh37 (hg19) VCF-style: chr9-79933233-CTTCTTCTACTGC-GAA.
Other names: c.4922_4934delinsGAA, p.Ala1641fs (NM_001018037.2); c.5039_5051delinsGAA, p.Ala1680fs (NM_001018038.3, NM_015186.4); short protein forms A1641fs, A1680fs.
Identifiers: ClinVar variation 4816405 (VCV004816405.1).

ClinVar aggregate classification (germline): Likely pathogenic (1 of 4 stars; one submission).

Conditions:
VPS13A-related neurodegenerative disease. Also called: LEVINE-CRITCHLEY SYNDROME; Choreoacanthocytosis; Chorea-acanthocytosis; ACANTHOCYTOSIS WITH NEUROLOGIC DISORDER; VPS13A Disease; Choreaacanthocytosis. Identifiers: Orphanet 2388, MedGen C0393576, MONDO:0008695, OMIM 200150.

Submission:

Natera, Inc.
Classification: Likely pathogenic for Choreaacanthocytosis. Last evaluated: 2025-01-14. Review status: criteria provided, single submitter. Criteria: Natera Variant Classification Schema (03/2026). Collection method: clinical testing. Allele origin: germline.
Comment: The c.5039_5051delinsGAA variant in VPS13A is a frameshift variant predicted to shift the reading frame beginning at codon 1680 and leads to a stop codon 13 codons downstream. This variant is expected to result in nonsense mediated decay, truncation, or a dysfunctional protein product. This variant is rare in the general population with a frequency below the threshold expected for the associated phenotype(s). Given the available evidence, this variant is classified as Likely Pathogenic.